The following is an entry in ClinVar:

NM_020937.4(FANCM):c.359T>G (p.Ile120Ser)

Gene: FANCM (FA complementation group M; plus strand). Cytogenetic location: 14q21.2.
Variant type: single nucleotide variant.
Coding change: c.359T>G on transcript NM_020937.4 (MANE Select); coding-DNA position 359, T replaced by G.
Protein change: p.Ile120Ser; replaces isoleucine 120 with serine.
Molecular consequence: missense variant.
Genome position (GRCh38, 1-based): chr14:45,136,390, T>G. VCF-style: chr14-45136390-T-G. GRCh37 (hg19) VCF-style: chr14-45605593-T-G.
Other names: c.359T>G, p.Ile120Ser (NM_001308133.2, NM_001308134.2); short protein forms I120S.
Identifiers: ClinVar variation 4619512 (VCV004619512.1).

ClinVar aggregate classification (germline): Uncertain significance (1 of 4 stars; one submission).

Conditions:
Inborn genetic diseases. Identifiers: MedGen C0950123, MeSH D030342.

Submission:

Ambry Genetics
Classification: Uncertain significance for Inborn genetic diseases. Last evaluated: 2025-10-22. Review status: criteria provided, single submitter. Criteria: Ambry Variant Classification Scheme 2023. Collection method: clinical testing. Allele origin: germline.
Comment: The p.I120S variant (also known as c.359T>G), located in coding exon 1 of the FANCM gene, results from a T to G substitution at nucleotide position 359. The isoleucine at codon 120 is replaced by serine, an amino acid with dissimilar properties. This amino acid position is conserved. In addition, the in silico prediction for this alteration is inconclusive. Based on the available evidence, the clinical significance of this variant remains unclear.